The following is an entry in ClinVar:

ClinVar aggregate classification (germline): Pathogenic (1 of 4 stars; one submission).

Conditions:
Spastic paraplegia. Identifiers: MedGen C0037772, HP:0001258.

Submission:

Labcorp Genetics (formerly Invitae), Labcorp
Classification: Pathogenic for Spastic paraplegia. Last evaluated: 2023-04-17. Review status: criteria provided, single submitter. Criteria: Invitae Variant Classification Sherloc (09022015). Collection method: clinical testing. Allele origin: germline.
Comment: This sequence change creates a premature translational stop signal (p.Leu60*) in the CYP7B1 gene. It is expected to result in an absent or disrupted protein product. Loss-of-function variants in CYP7B1 are known to be pathogenic (PMID: 9802883, 19363635, 19439420, 21541746, 21567895, 28039895). This variant is not present in population databases (gnomAD no frequency). This variant has not been reported in the literature in individuals affected with CYP7B1-related conditions. For these reasons, this variant has been classified as Pathogenic.

Literature cited by the submitters: PubMed 9802883; PubMed 19363635; PubMed 19439420; PubMed 21541746; PubMed 21567895; PubMed 28039895.

NM_004820.5(CYP7B1):c.178del (p.Val59_Leu60insTer)

Gene: CYP7B1 (cytochrome P450 family 7 subfamily B member 1; minus strand). Cytogenetic location: 8q12.3.
Variant type: Deletion.
Coding change: c.178del on transcript NM_004820.5 (MANE Select); coding-DNA position 178, one base deleted (C; older notation c.178delC).
Protein change: p.Val59_Leu60insTer.
Molecular consequence: nonsense.
Genome position (GRCh38, 1-based): chr8:64,624,484, G deleted on the plus strand (C on the coding strand, the reverse complement: CYP7B1 is on the minus strand); the first of 2 consecutive G bases (chr8:64,624,484-64,624,485); deleting either gives the same sequence. VCF-style (leftmost placement, unchanged base first): chr8-64624483-AG-A. GRCh37 (hg19) VCF-style: chr8-65537040-AG-A.
Other names: c.178del, p.Val59_Leu60insTer (NM_001324112.2).
Identifiers: ClinVar variation 2857111 (VCV002857111.3), dbSNP rs2487206621, ClinGen allele CA2739268837.